The following is an entry in ClinVar:

NM_001165963.4(SCN1A):c.1187G>A (p.Gly396Glu)

Gene: SCN1A (sodium voltage-gated channel alpha subunit 1; minus strand). Cytogenetic location: 2q24.3.
Variant type: single nucleotide variant.
Coding change: c.1187G>A on transcript NM_001165963.4 (MANE Select); coding-DNA position 1187, G replaced by A.
Protein change: p.Gly396Glu; replaces glycine 396 with glutamic acid.
Molecular consequence: missense variant. On other transcripts: 5 prime UTR variant (1), non-coding transcript variant (1).
Genome position (GRCh38, 1-based): chr2:166,046,960, C>T on the plus strand (G>A on the coding strand, the complement: SCN1A is on the minus strand). VCF-style: chr2-166046960-C-T. GRCh37 (hg19) VCF-style: chr2-166903470-C-T.
Other names: c.1187G>A, p.Gly396Glu (NM_001165964.3, NM_001202435.3, NM_001353948.2 and 10 more transcripts); c.-1239G>A (NM_001353961.2); short protein forms G396E.
Identifiers: ClinVar variation 2734312 (VCV002734312.3), dbSNP rs2468182597, ClinGen allele CA349071023.

ClinVar aggregate classification (germline): Pathogenic (1 of 4 stars; one submission).

Conditions:
Early-infantile DEE. Also called: Early infantile epileptic encephalopathy; Early infantile epileptic encephalopathy with suppression bursts; Ohtahara syndrome. Identifiers: Orphanet 1934, MedGen C0393706, MONDO:0800491.

Submission:

Labcorp Genetics (formerly Invitae), Labcorp
Classification: Pathogenic for Early-infantile DEE. Last evaluated: 2024-11-11. Review status: criteria provided, single submitter. Criteria: Invitae Variant Classification Sherloc (09022015). Collection method: clinical testing. Allele origin: germline.
Comment: This sequence change replaces glycine, which is neutral and non-polar, with glutamic acid, which is acidic and polar, at codon 396 of the SCN1A protein (p.Gly396Glu). This variant is not present in population databases (gnomAD no frequency). This missense change has been observed in individual(s) with Dravet syndrome (PMID: 21868258). In at least one individual the variant was observed to be de novo. ClinVar contains an entry for this variant (Variation ID: 2734312). Invitae Evidence Modeling of protein sequence and biophysical properties (such as structural, functional, and spatial information, amino acid conservation, physicochemical variation, residue mobility, and thermodynamic stability) indicates that this missense variant is expected to disrupt SCN1A protein function with a positive predictive value of 95%. This variant disrupts the p.Gly396 amino acid residue in SCN1A. Other variant(s) that disrupt this residue have been determined to be pathogenic (PMID: 35087721). This suggests that this residue is clinically significant, and that variants that disrupt this residue are likely to be disease-causing. For these reasons, this variant has been classified as Pathogenic.

Literature cited by the submitters: PubMed 21868258; PubMed 35087721.